The following is an entry in ClinVar:

ClinVar aggregate classification (germline): Uncertain significance (1 of 4 stars; one submission).

Allele frequency attached by ClinVar (database versions not stated): gnomAD exomes below 0.00001; TOPMed below 0.00001; ExAC 0.00001; gnomAD 0.00001; 1000 Genomes Project 0.00020; 1000 Genomes Project 30x 0.00031.
gnomAD v4.1: 3 of 1,613,680 alleles (0.00019%); highest among the groups gnomAD compares: Admixed American, 0.0033%; no homozygotes.

Submission:

Labcorp Genetics (formerly Invitae), Labcorp
Classification: Uncertain significance. Last evaluated: 2022-07-21. Review status: criteria provided, single submitter. Criteria: Invitae Variant Classification Sherloc (09022015). Collection method: clinical testing. Allele origin: germline.
Comment: This sequence change replaces glutamic acid, which is acidic and polar, with lysine, which is basic and polar, at codon 1136 of the ABCA1 protein (p.Glu1136Lys). This variant is present in population databases (rs568380383, gnomAD 0.006%). This variant has not been reported in the literature in individuals affected with ABCA1-related conditions. Advanced modeling of protein sequence and biophysical properties (such as structural, functional, and spatial information, amino acid conservation, physicochemical variation, residue mobility, and thermodynamic stability) performed at Invitae indicates that this missense variant is not expected to disrupt ABCA1 protein function. In summary, the available evidence is currently insufficient to determine the role of this variant in disease. Therefore, it has been classified as a Variant of Uncertain Significance.

NM_005502.4(ABCA1):c.3406G>A (p.Glu1136Lys)

Gene: ABCA1 (ATP binding cassette subfamily A member 1; minus strand). Cytogenetic location: 9q31.1.
Variant type: single nucleotide variant.
Coding change: c.3406G>A on transcript NM_005502.4 (MANE Select); coding-DNA position 3406, G replaced by A.
Protein change: p.Glu1136Lys; replaces glutamic acid 1136 with lysine.
Molecular consequence: missense variant.
Genome position (GRCh38, 1-based): chr9:104,818,719, C>T on the plus strand (G>A on the coding strand, the complement: ABCA1 is on the minus strand). VCF-style: chr9-104818719-C-T. GRCh37 (hg19) VCF-style: chr9-107581000-C-T.
Other names: short protein forms E1136K.
Identifiers: ClinVar variation 1957008 (VCV001957008.5), dbSNP rs568380383, ClinGen allele CA5168455.